The following is an entry in ClinVar:

ClinVar aggregate classification (germline): Conflicting classifications of pathogenicity. Review status: criteria provided, conflicting classifications (1 of 4 stars). 4 submissions from 4 submitters: Uncertain significance (3); Likely benign (1). Last evaluated 2025-09-17.

Conditions:
Hereditary cancer-predisposing syndrome. Also called: Neoplastic Syndromes, Hereditary; Hereditary Cancer Syndrome; Hereditary neoplastic syndrome; Tumor predisposition. Identifiers: Orphanet 140162, MedGen C0027672, MeSH D009386, MONDO:0015356.
Hereditary breast ovarian cancer syndrome. Also called: Hereditary breast and ovarian cancer syndrome (HBOC); Hereditary breast and ovarian cancer syndrome; Breast and ovarian cancer; Hereditary breast and/or ovarian cancer syndrome; Hereditary breast and ovarian cancer; BRCA1- and BRCA2-Associated Hereditary Breast and Ovarian Cancer. Identifiers: Orphanet 145, MedGen C0677776, MeSH D061325, MONDO:0003582. Disease mechanism: loss of function.

Submissions (4):

Color Diagnostics, LLC DBA Color Health
Classification: Uncertain significance for Hereditary cancer-predisposing syndrome. Last evaluated: 2025-09-17. Review status: criteria provided, single submitter. Criteria: ACMG Guidelines, 2015. Collection method: clinical testing. Allele origin: germline.
Comment: This variant causes an A to G nucleotide substitution at the +4 position of intron 22 of the BRCA2 gene. A splicing prediction is inconclusive on the impact of this variant (PMID: 30661751). A functional study that incorporates RNA splicing into the readout has reported that this variant does not impact BRCA2 in a haploid cell proliferation assay (PMID: 39779857). This variant has not been reported in individuals affected with hereditary cancer in the literature. This variant has not been identified in the general population by the Genome Aggregation Database (gnomAD). The available evidence is insufficient to determine the role of this variant in disease conclusively. Therefore, this variant is classified as a Variant of Uncertain Significance.

Ambry Genetics
Classification: Uncertain significance for Hereditary cancer-predisposing syndrome. Last evaluated: 2025-08-13. Review status: criteria provided, single submitter. Criteria: Ambry Variant Classification Scheme 2023. Collection method: clinical testing. Allele origin: germline.
Comment: The c.8953+4A>G intronic variant results from an A to G substitution 4 nucleotides after coding exon 21 in the BRCA2 gene. This nucleotide position is well conserved in available vertebrate species. In silico splice site analysis predicts that this alteration may result in the creation or strengthening of a novel splice donor site, however, direct evidence is insufficient at this time (Ambry internal data). Based on the available evidence, the clinical significance of this variant remains unclear.

Labcorp Genetics (formerly Invitae), Labcorp
Classification: Likely benign for Hereditary breast ovarian cancer syndrome. Last evaluated: 2025-07-28. Review status: criteria provided, single submitter. Criteria: Invitae Variant Classification Sherloc (09022015). Collection method: clinical testing. Allele origin: germline.

GeneDx
Classification: Uncertain significance. Last evaluated: 2024-02-05. Review status: criteria provided, single submitter. Criteria: GeneDx Variant Classification Process June 2021. Collection method: clinical testing. Allele origin: germline. Affected: yes.
Comment: Not observed at significant frequency in large population cohorts (gnomAD); Has not been previously published as pathogenic or benign to our knowledge; In silico analysis suggests this variant may impact gene splicing. In the absence of RNA/functional studies, the actual effect of this sequence change is unknown.; Also known as 9181+4A>G

Literature cited by the submitters: PubMed 30661751 (cited by Color Diagnostics, LLC DBA Color Health); PubMed 39779857 (cited by Color Diagnostics, LLC DBA Color Health).

NM_000059.4(BRCA2):c.8953+4A>G

Gene: BRCA2 (BRCA2 DNA repair associated; plus strand). Cytogenetic location: 13q13.1.
Variant type: single nucleotide variant.
Coding change: c.8953+4A>G on transcript NM_000059.4 (MANE Select); 4 bases into the intron after coding-DNA position 8953, A replaced by G.
Molecular consequence: intron variant.
Genome position (GRCh38, 1-based): chr13:32,379,519, A>G. VCF-style: chr13-32379519-A-G. GRCh37 (hg19) VCF-style: chr13-32953656-A-G.
Identifiers: ClinVar variation 462508 (VCV000462508.22), dbSNP rs1555288412, ClinGen allele CA658656416.